The following is an entry in ClinVar:

NM_017671.5(FERMT1):c.747-12G>A

Gene: FERMT1 (FERM domain containing kindlin 1; minus strand). Cytogenetic location: 20p12.3.
Variant type: single nucleotide variant.
Coding change: c.747-12G>A on transcript NM_017671.5 (MANE Select); 12 bases into the intron before coding-DNA position 747, G replaced by A.
Molecular consequence: intron variant.
Genome position (GRCh38, 1-based): chr20:6,107,646, C>T on the plus strand (G>A on the coding strand, the complement: FERMT1 is on the minus strand). VCF-style: chr20-6107646-C-T. GRCh37 (hg19) VCF-style: chr20-6088293-C-T.
Identifiers: ClinVar variation 339225 (VCV000339225.14), dbSNP rs138474338, ClinGen allele CA9758364.

ClinVar aggregate classification (germline): Benign/Likely benign. Review status: criteria provided, multiple submitters, no conflicts (2 of 4 stars). 4 submissions from 4 submitters: Benign (1); Likely benign (3). Last evaluated 2026-01-23.

Conditions:
Kindler syndrome (KNDLRS). Also called: BULLOUS ACROKERATOTIC POIKILODERMA OF KINDLER AND WEARY; Poikiloderma of Kindler; Congenital bullous poikiloderma; Kindler's syndrome; POIKILODERMA, CONGENITAL, WITH BULLAE, WEARY TYPE; POIKILODERMA, HEREDITARY ACROKERATOTIC. Identifiers: Orphanet 2908, Orphanet 306539, MedGen C0406557, MONDO:0008260, OMIM 173650.

Allele frequency attached by ClinVar (database versions not stated): gnomAD exomes 0.00008 and 0.00026; ExAC 0.00038; 1000 Genomes Project 30x 0.00094; gnomAD 0.00113 and 0.00125; 1000 Genomes Project 0.00120; TOPMed 0.00131; ESP Exome Variant Server 0.00138.
gnomAD v4.1: 294 of 1,520,698 alleles (0.019%); highest among the groups gnomAD compares: African/African-American, 0.35%; no homozygotes.

Submissions (4):

Labcorp Genetics (formerly Invitae), Labcorp
Classification: Benign. Last evaluated: 2026-01-23. Review status: criteria provided, single submitter. Criteria: Invitae Variant Classification Sherloc (09022015). Collection method: clinical testing. Allele origin: germline.

Blueprint Genetics
Classification: Likely benign. Last evaluated: 2024-04-11. Review status: criteria provided, single submitter. Criteria: ACMG Guidelines, 2015. Collection method: clinical testing. Allele origin: germline.

Illumina Laboratory Services, Illumina
Classification: Likely benign for Kindler syndrome. Last evaluated: 2018-01-12. Review status: criteria provided, single submitter. Criteria: ICSL Variant Classification Criteria 13 December 2019. Collection method: clinical testing. Allele origin: germline.
Comment: This variant was observed in the ICSL laboratory as part of a predisposition screen in an ostensibly healthy population. It had not been previously curated by ICSL or reported in the Human Gene Mutation Database (HGMD: prior to June 1st, 2018), and was therefore a candidate for classification through an automated scoring system. Utilizing variant allele frequency, disease prevalence and penetrance estimates, and inheritance mode, an automated score was calculated to assess if this variant is too frequent to cause the disease. Based on the score and internal cut-off values, a variant classified as likely benign is not then subjected to further curation. The score for this variant resulted in a classification of likely benign for this disease.

Breakthrough Genomics
Classification: Likely benign. Review status: criteria provided, single submitter. Criteria: ACMG Guidelines, 2015. Collection method: not provided. Allele origin: germline. Inheritance: Autosomal recessive inheritance. Affected: yes.